The following is an entry in ClinVar:

NM_000059.4(BRCA2):c.1176_1180del (p.Cys393fs)

Gene: BRCA2 (BRCA2 DNA repair associated; plus strand). Cytogenetic location: 13q13.1.
Variant type: Deletion.
Coding change: c.1176_1180del on transcript NM_000059.4 (MANE Select); coding-DNA positions 1176 to 1180, 5 bases deleted (CTGTG; older notation c.1176_1180delCTGTG).
Protein change: p.Cys393fs; shifts the reading frame from cysteine 393.
Molecular consequence: frameshift variant.
Genome position (GRCh38, 1-based): chr13:32,332,654-32,332,658, CTGTG deleted. VCF-style (leftmost placement, unchanged base first): chr13-32332653-CCTGTG-C. GRCh37 (hg19) VCF-style: chr13-32906790-CCTGTG-C.
Other names: c.1176_1180delCTGTG (NM_000059.3); short protein forms C393fs.
Identifiers: ClinVar variation 51075 (VCV000051075.3), dbSNP rs397507574, ClinGen allele CA011042.
Genomic context (GRCh38, chr13:32,332,653, plus strand): 5'-ATCAGAAGCCCTTTGAGAGTGGAAGTGACAAAATCTCCAAGGAAGTTGTACCGTCTTTGG[CCTGTG>C]AATGGTCTCAACTAACCCTTTCAGGTCTAAATGGAGCCCAGATGGAGAAAATACCCCTAT-3'

ClinVar aggregate classification (germline): Pathogenic. Review status: reviewed by expert panel (3 of 4 stars). 2 submissions from 2 submitters: Pathogenic (1). 1 of the submissions does not count toward it. Last evaluated 2017-12-15.

Conditions:
Breast-ovarian cancer, familial, susceptibility to, 2 (BROVCA2). Also called: BRCA2 Hereditary Breast and Ovarian Cancer. Identifiers: Orphanet 145, MedGen C2675520, MONDO:0012933, OMIM 612555. Disease mechanism: loss of function.
Familial cancer of breast. Also called: BREAST CANCER, FAMILIAL; Hereditary breast cancer; hereditary breast carcinoma. Identifiers: Orphanet 227535, MedGen C0346153, MONDO:0016419, OMIM 114480. Disease mechanism: loss of function.

Submissions (2):

Evidence-based Network for the Interpretation of Germline Mutant Alleles (ENIGMA)
Classification: Pathogenic for Breast-ovarian cancer, familial, susceptibility to, 2. Last evaluated: 2017-12-15. Review status: reviewed by expert panel. Criteria: ENIGMA BRCA1/2 Classification Criteria (2017-06-29). Collection method: curation. Allele origin: germline. Study: ENIGMA.
Comment: Variant allele predicted to encode a truncated non-functional protein.

ClinVar Staff, National Center for Biotechnology Information (NCBI)
No classification provided. Condition: Familial cancer of breast. Review status: no classification provided. Collection method: literature only. Allele origin: germline. Affected: yes. Not counted in ClinVar's aggregate classification.

Literature cited by the submitters: PubMed 22798144 (cited by ClinVar Staff, National Center for Biotechnology Information (NCBI)).